The following is an entry in ClinVar:

ClinVar aggregate classification (germline): Uncertain significance. Review status: criteria provided, multiple submitters, no conflicts (2 of 4 stars). 3 submissions from 3 submitters: Uncertain significance (3). Last evaluated 2025-01-28.

Conditions:
Inborn genetic diseases. Identifiers: MedGen C0950123, MeSH D030342.

Allele frequency attached by ClinVar (database versions not stated): gnomAD 0.00001; gnomAD exomes 0.00001; TOPMed 0.00001.
gnomAD v4.1: 7 of 1,613,466 alleles (0.00043%); highest among the groups gnomAD compares: Non-Finnish European, 0.00059%; no homozygotes.

Submissions (3):

Ambry Genetics
Classification: Uncertain significance for Inborn genetic diseases. Last evaluated: 2025-01-28. Review status: criteria provided, single submitter. Criteria: Ambry Variant Classification Scheme 2023. Collection method: clinical testing. Allele origin: germline.

GeneDx
Classification: Uncertain significance. Last evaluated: 2022-04-20. Review status: criteria provided, single submitter. Criteria: GeneDx Variant Classification Process June 2021. Collection method: clinical testing. Allele origin: germline. Affected: yes.
Comment: Not observed at significant frequency in large population cohorts (gnomAD); In silico analysis supports that this missense variant has a deleterious effect on protein structure/function; Has not been previously published as pathogenic or benign to our knowledge

Labcorp Genetics (formerly Invitae), Labcorp
Classification: Uncertain significance. Last evaluated: 2022-03-09. Review status: criteria provided, single submitter. Criteria: Invitae Variant Classification Sherloc (09022015). Collection method: clinical testing. Allele origin: germline.
Comment: This sequence change replaces valine, which is neutral and non-polar, with methionine, which is neutral and non-polar, at codon 1575 of the MYO15A protein (p.Val1575Met). This variant is present in population databases (no rsID available, gnomAD 0.002%). This variant has not been reported in the literature in individuals affected with MYO15A-related conditions. Advanced modeling of protein sequence and biophysical properties (such as structural, functional, and spatial information, amino acid conservation, physicochemical variation, residue mobility, and thermodynamic stability) performed at Invitae indicates that this missense variant is not expected to disrupt MYO15A protein function. In summary, the available evidence is currently insufficient to determine the role of this variant in disease. Therefore, it has been classified as a Variant of Uncertain Significance.

NM_016239.4(MYO15A):c.4723G>A (p.Val1575Met)

Gene: MYO15A (myosin XVA; plus strand). Cytogenetic location: 17p11.2.
Variant type: single nucleotide variant.
Coding change: c.4723G>A on transcript NM_016239.4 (MANE Select); coding-DNA position 4723, G replaced by A.
Protein change: p.Val1575Met; replaces valine 1575 with methionine.
Molecular consequence: missense variant.
Genome position (GRCh38, 1-based): chr17:18,136,630, G>A. VCF-style: chr17-18136630-G-A. GRCh37 (hg19) VCF-style: chr17-18039944-G-A.
Other names: short protein forms V1575M.
Identifiers: ClinVar variation 1419849 (VCV001419849.5), dbSNP rs989547707, ClinGen allele CA288400929.